The following is an entry in ClinVar:

NM_001278116.2(L1CAM):c.1148G>A (p.Arg383Gln)

Gene: L1CAM (L1 cell adhesion molecule; minus strand). Cytogenetic location: Xq28.
Variant type: single nucleotide variant.
Coding change: c.1148G>A on transcript NM_001278116.2 (MANE Select); coding-DNA position 1148, G replaced by A.
Protein change: p.Arg383Gln; replaces arginine 383 with glutamine.
Molecular consequence: missense variant.
Genome position (GRCh38, 1-based): chrX:153,869,639, C>T on the plus strand (G>A on the coding strand, the complement: L1CAM is on the minus strand). VCF-style: chrX-153869639-C-T. GRCh37 (hg19) VCF-style: chrX-153135094-C-T.
Other names: c.1148G>A, p.Arg383Gln (NM_000425.5, NM_024003.3); c.1133G>A, p.Arg378Gln (NM_001143963.2); short protein forms R383Q, R378Q.
Identifiers: ClinVar variation 589139 (VCV000589139.8), dbSNP rs782254209, ClinGen allele CA10554417.

ClinVar aggregate classification (germline): Conflicting classifications of pathogenicity. Review status: criteria provided, conflicting classifications (1 of 4 stars). 2 submissions from 2 submitters: Uncertain significance (1); Likely benign (1). Last evaluated 2023-04-29.

Conditions:
Spastic paraplegia. Identifiers: MedGen C0037772, HP:0001258.
Inborn genetic diseases. Identifiers: MedGen C0950123, MeSH D030342.

Allele frequency attached by ClinVar (database versions not stated): TOPMed 0.00001; ExAC 0.00002; gnomAD 0.00002; gnomAD exomes 0.00002.
gnomAD v4.1: 19 of 1,207,339 alleles (0.0016%); highest among the groups gnomAD compares: Admixed American, 0.0022%; no homozygotes.

Submissions (2):

Labcorp Genetics (formerly Invitae), Labcorp
Classification: Likely benign for Spastic paraplegia. Last evaluated: 2023-04-29. Review status: criteria provided, single submitter. Criteria: Invitae Variant Classification Sherloc (09022015). Collection method: clinical testing. Allele origin: germline.

Ambry Genetics
Classification: Uncertain significance for Inborn genetic diseases. Last evaluated: 2017-05-31. Review status: criteria provided, single submitter. Criteria: Ambry Variant Classification Scheme 2023. Collection method: clinical testing. Allele origin: germline.
Comment: The p.R383Q variant (also known as c.1148G>A), located in coding exon 10 of the L1CAM gene, results from a G to A substitution at nucleotide position 1148. The arginine at codon 383 is replaced by glutamine, an amino acid with highly similar properties. This amino acid position is not well conserved in available vertebrate species, and glutamine is the reference amino acid in other vertebrate species. In addition, this alteration is predicted to be tolerated by in silico analysis. Since supporting evidence is limited at this time, the clinical significance of this alteration remains unclear.